The following is an entry in ClinVar:

NM_014908.4(DOLK):c.873C>T (p.Leu291=)

Gene: DOLK (dolichol kinase; minus strand). Cytogenetic location: 9q34.11.
Variant type: single nucleotide variant.
Coding change: c.873C>T on transcript NM_014908.4 (MANE Select); coding-DNA position 873, C replaced by T.
Protein change: p.Leu291=; no amino-acid change (leucine 291 retained).
Molecular consequence: synonymous variant.
Genome position (GRCh38, 1-based): chr9:128,946,431, G>A on the plus strand (C>T on the coding strand, the complement: DOLK is on the minus strand). VCF-style: chr9-128946431-G-A. GRCh37 (hg19) VCF-style: chr9-131708710-G-A.
Identifiers: ClinVar variation 464206 (VCV000464206.23), dbSNP rs148646968, ClinGen allele CA5271675.

ClinVar aggregate classification (germline): Conflicting classifications of pathogenicity. Review status: criteria provided, conflicting classifications (1 of 4 stars). 7 submissions from 7 submitters: Uncertain significance (1); Benign (1); Likely benign (5). Last evaluated 2026-03-06.

Conditions:
DOLK-related disorder. Also called: DOLK-related condition.
Cardiovascular phenotype. Identifiers: MedGen CN230736.
DK1-congenital disorder of glycosylation. Also called: CONGENITAL DISORDER OF GLYCOSYLATION, TYPE Im; DOLK-congenital disorder of glycosylation; Carbohydrate deficient glycoprotein syndrome type 1m; CDG Im; DK1 DEFICIENCY; DOLICHOL KINASE DEFICIENCY. Identifiers: Orphanet 91131, MedGen C1835849, MONDO:0012556, OMIM 610768.

Allele frequency attached by ClinVar (database versions not stated): TOPMed 0.00020; 1000 Genomes Project 30x 0.00031; ESP Exome Variant Server 0.00031; gnomAD exomes 0.00035 and 0.00050; 1000 Genomes Project 0.00040; ExAC 0.00055; gnomAD 0.00070 and 0.00073.

Submissions (7):

PreventionGenetics, part of Exact Sciences
Classification: Likely benign for DOLK-related condition. Last evaluated: 2026-03-06. Review status: criteria provided, single submitter. Criteria: ACMG Guidelines, 2015. Collection method: clinical testing. Allele origin: germline.
Comment: This variant is classified as likely benign based on ACMG/AMP sequence variant interpretation guidelines (Richards et al. 2015 PMID: 25741868, with internal and published modifications).

Labcorp Genetics (formerly Invitae), Labcorp
Classification: Benign for DK1-congenital disorder of glycosylation. Last evaluated: 2026-01-09. Review status: criteria provided, single submitter. Criteria: Invitae Variant Classification Sherloc (09022015). Collection method: clinical testing. Allele origin: germline.

Blueprint Genetics
Classification: Likely benign. Last evaluated: 2024-11-13. Review status: criteria provided, single submitter. Criteria: ACMG Guidelines, 2015. Collection method: clinical testing. Allele origin: germline.

Women's Health and Genetics/Laboratory Corporation of America, LabCorp
Classification: Likely benign. Last evaluated: 2023-04-17. Review status: criteria provided, single submitter. Criteria: LabCorp Variant Classification Summary - May 2015. Collection method: clinical testing. Allele origin: germline.

GeneDx
Classification: Likely benign. Last evaluated: 2019-08-08. Review status: criteria provided, single submitter. Criteria: GeneDx Variant Classification Process June 2021. Collection method: clinical testing. Allele origin: germline. Affected: yes.

Ambry Genetics
Classification: Likely benign for Cardiovascular phenotype. Last evaluated: 2019-01-28. Review status: criteria provided, single submitter. Criteria: Ambry Variant Classification Scheme 2023. Collection method: clinical testing. Allele origin: germline.

Illumina Laboratory Services, Illumina
Classification: Uncertain significance for DK1-congenital disorder of glycosylation. Last evaluated: 2018-01-13. Review status: criteria provided, single submitter. Criteria: ICSL Variant Classification Criteria 13 December 2019. Collection method: clinical testing. Allele origin: germline.